The following is an entry in ClinVar:

ClinVar aggregate classification (germline): Uncertain significance. Review status: criteria provided, multiple submitters, no conflicts (2 of 4 stars). 4 submissions from 4 submitters: Uncertain significance (4). Last evaluated 2025-10-01.

Conditions:
McKusick-Kaufman syndrome (MKKS). Also called: HYDROMETROCOLPOS SYNDROME; HYDROMETROCOLPOS, POSTAXIAL POLYDACTYLY, AND CONGENITAL HEART MALFORMATION. Identifiers: Orphanet 2473, MedGen C0948368, MONDO:0009367, OMIM 236700.
Bardet-Biedl syndrome 6 (BBS6). Identifiers: Orphanet 110, MedGen C1858054, MONDO:0011523, OMIM 605231.
Bardet-Biedl syndrome (BBS). Identifiers: Orphanet 110, MedGen C0752166, MONDO:0015229.
MKKS-related disorder. Also called: MKKS-related condition; MKKS-related disorders.

Allele frequency attached by ClinVar (database versions not stated): ExAC 0.00001; gnomAD 0.00003 and 0.00004; ESP Exome Variant Server 0.00008.
gnomAD v4.1: 42 of 1,614,104 alleles (0.0026%); highest among the groups gnomAD compares: Non-Finnish European, 0.0033%; no homozygotes.

Submissions (4):

PreventionGenetics, part of Exact Sciences
Classification: Uncertain significance for MKKS-related condition. Last evaluated: 2025-10-01. Review status: criteria provided, single submitter. Criteria: ACMG Guidelines, 2015. Collection method: clinical testing. Allele origin: germline.
Comment: The MKKS c.35G>A variant is predicted to result in the amino acid substitution p.Cys12Tyr. To our knowledge, this variant has not been reported in the literature. This variant is reported in 0.0023% of alleles in individuals of European (Non-Finnish) descent in gnomAD and is classified as uncertain in ClinVar (Variation ID: 283347). At this time, the clinical significance of this variant is uncertain due to the absence of conclusive functional and genetic evidence.

Labcorp Genetics (formerly Invitae), Labcorp
Classification: Uncertain significance for McKusick-Kaufman syndrome; Bardet-Biedl syndrome. Last evaluated: 2022-08-16. Review status: criteria provided, single submitter. Criteria: Invitae Variant Classification Sherloc (09022015). Collection method: clinical testing. Allele origin: germline.
Comment: This sequence change replaces cysteine, which is neutral and slightly polar, with tyrosine, which is neutral and polar, at codon 12 of the MKKS protein (p.Cys12Tyr). This variant is present in population databases (rs368277209, gnomAD 0.002%). This variant has not been reported in the literature in individuals affected with MKKS-related conditions. ClinVar contains an entry for this variant (Variation ID: 283347). Algorithms developed to predict the effect of missense changes on protein structure and function are either unavailable or do not agree on the potential impact of this missense change (SIFT: "Tolerated"; PolyPhen-2: "Possibly Damaging"; Align-GVGD: "Class C0"). In summary, the available evidence is currently insufficient to determine the role of this variant in disease. Therefore, it has been classified as a Variant of Uncertain Significance.

Fulgent Genetics
Classification: Uncertain significance for McKusick-Kaufman syndrome; Bardet-Biedl syndrome 6. Last evaluated: 2021-12-24. Review status: criteria provided, single submitter. Criteria: ACMG Guidelines, 2015. Collection method: clinical testing. Allele origin: unknown.

Eurofins Ntd Llc (ga)
Classification: Uncertain significance. Last evaluated: 2015-09-22. Review status: criteria provided, single submitter. Criteria: EGL Classification Definitions 2015. Collection method: clinical testing. Allele origin: germline. Observed: 1 variant allele, 1 heterozygote.

NM_170784.3(MKKS):c.35G>A (p.Cys12Tyr)

Gene: MKKS (MKKS centrosomal shuttling protein; minus strand). Cytogenetic location: 20p12.2.
Variant type: single nucleotide variant.
Coding change: c.35G>A on transcript NM_170784.3 (MANE Select); coding-DNA position 35, G replaced by A.
Protein change: p.Cys12Tyr; replaces cysteine 12 with tyrosine.
Molecular consequence: missense variant.
Genome position (GRCh38, 1-based): chr20:10,413,480, C>T on the plus strand (G>A on the coding strand, the complement: MKKS is on the minus strand). VCF-style: chr20-10413480-C-T. GRCh37 (hg19) VCF-style: chr20-10394128-C-T.
Other names: c.35G>A, p.Cys12Tyr (NM_018848.3); short protein forms C12Y.
Identifiers: ClinVar variation 283347 (VCV000283347.9), dbSNP rs368277209, ClinGen allele CA9763756.
Genomic context (GRCh38, chr20:10,413,480, plus strand): 5'-ATTCTTTTCAAGACAGAAAGTGTGGTCCTGACTCTCTCAGTTGTCAGTGGTTCACTCTTA[C>T]ACAATGATGGCTTCTTAGCTTCCAAACGAGACATCTTACTTCAGGTGGTAACTAGTGAAG-3'
Protein context (NP_740754.1, residues 2-22): SRLEAKKPSL[Cys12Tyr]KSEPLTTERV